The following is an entry in ClinVar:

ClinVar aggregate classification (germline): Uncertain significance. Review status: criteria provided, multiple submitters, no conflicts (2 of 4 stars). 2 submissions from 2 submitters: Uncertain significance (2). Last evaluated 2021-11-18.

Conditions:
Fraser syndrome 2 (FRASRS2). Identifiers: MedGen C4540036, MONDO:0054738, OMIM 617666.
Isolated cryptophthalmia. Also called: Cryptophthalmos, unilateral or bilateral, isolated; ANKYLOBLEPHARON, SIMPLE. Identifiers: Orphanet 91396, MedGen C1852453, MONDO:0007410, OMIM 123570.

Allele frequency attached by ClinVar (database versions not stated): gnomAD exomes 0.00003 and 0.00004; ExAC 0.00004; gnomAD 0.00005; TOPMed 0.00005.
gnomAD v4.1: 50 of 1,613,758 alleles (0.0031%); highest among the groups gnomAD compares: East Asian, 0.018%; no homozygotes.

Submissions (2):

Fulgent Genetics
Classification: Uncertain significance for Isolated cryptophthalmia; Fraser syndrome 2. Last evaluated: 2021-11-18. Review status: criteria provided, single submitter. Criteria: ACMG Guidelines, 2015. Collection method: clinical testing. Allele origin: unknown.

Labcorp Genetics (formerly Invitae), Labcorp
Classification: Uncertain significance. Last evaluated: 2021-10-24. Review status: criteria provided, single submitter. Criteria: Invitae Variant Classification Sherloc (09022015). Collection method: clinical testing. Allele origin: germline.
Comment: This sequence change replaces arginine with histidine at codon 698 of the FREM2 protein (p.Arg698His). The arginine residue is highly conserved and there is a small physicochemical difference between arginine and histidine. This variant is present in population databases (rs201217034, ExAC 0.03%). This variant has not been reported in the literature in individuals affected with FREM2-related conditions. Algorithms developed to predict the effect of missense changes on protein structure and function output the following: SIFT: "Deleterious"; PolyPhen-2: "Benign"; Align-GVGD: "Class C0". The histidine amino acid residue is found in multiple mammalian species, which suggests that this missense change does not adversely affect protein function. In summary, the available evidence is currently insufficient to determine the role of this variant in disease. Therefore, it has been classified as a Variant of Uncertain Significance.

NM_207361.6(FREM2):c.2093G>A (p.Arg698His)

Gene: FREM2 (FRAS1 related extracellular matrix 2; plus strand). Cytogenetic location: 13q13.3.
Variant type: single nucleotide variant.
Coding change: c.2093G>A on transcript NM_207361.6 (MANE Select); coding-DNA position 2093, G replaced by A.
Protein change: p.Arg698His; replaces arginine 698 with histidine.
Molecular consequence: missense variant.
Genome position (GRCh38, 1-based): chr13:38,689,437, G>A. VCF-style: chr13-38689437-G-A. GRCh37 (hg19) VCF-style: chr13-39263574-G-A.
Other names: short protein forms R698H.
Identifiers: ClinVar variation 1510546 (VCV001510546.4), dbSNP rs201217034, ClinGen allele CA6954539.